The following is an entry in ClinVar:

NM_024570.4(RNASEH2B):c.20G>A (p.Cys7Tyr)

Genes: RNASEH2B (ribonuclease H2 subunit B; plus strand), RNASEH2B-AS1 (RNASEH2B antisense RNA 1; minus strand), LOC130009810 (ATAC-STARR-seq lymphoblastoid silent region 5362; plus strand). Cytogenetic location: 13q14.3.
Variant type: single nucleotide variant.
Coding change: c.20G>A on transcript NM_024570.4 (MANE Select); coding-DNA position 20, G replaced by A.
Protein change: p.Cys7Tyr; replaces cysteine 7 with tyrosine.
Molecular consequence: missense variant.
Genome position (GRCh38, 1-based): chr13:50,910,096, G>A. VCF-style: chr13-50910096-G-A. GRCh37 (hg19) VCF-style: chr13-51484232-G-A.
Other names: c.20G>A, p.Cys7Tyr (NM_001142279.2); short protein forms C7Y.
Identifiers: ClinVar variation 881149 (VCV000881149.14), dbSNP rs551573692, ClinGen allele CA249994606.
Genomic context (GRCh38, chr13:50,910,096, plus strand): 5'-CGCGGCGCTGAGCCTGCGGCGCCCCGGAAGAGGCGGGCGGCATGGCCGCTGGCGTGGACT[G>A]CGGGGACGGGGTTGGCGCCCGGCAGCACGTGTTCCTGGTTTCAGGTAAACACGCGCGCCC-3'
Protein context (NP_078846.2, residues 1-17): MAAGVD[Cys7Tyr]GDGVGARQHV

ClinVar aggregate classification (germline): Uncertain significance. Review status: criteria provided, multiple submitters, no conflicts (2 of 4 stars). 4 submissions from 4 submitters: Uncertain significance (4). Last evaluated 2025-01-24.

Conditions:
Aicardi-Goutieres syndrome 2. Identifiers: Orphanet 51, MedGen C3489724, MONDO:0012429, OMIM 610181.
Inborn genetic diseases. Identifiers: MedGen C0950123, MeSH D030342.

Allele frequency attached by ClinVar (database versions not stated): TOPMed 0.00010; gnomAD exomes 0.00011 and 0.00012; gnomAD 0.00013; 1000 Genomes Project 0.00020; 1000 Genomes Project 30x 0.00031.
gnomAD v4.1: 167 of 1,463,690 alleles (0.011%); highest among the groups gnomAD compares: Admixed American, 0.045%; no homozygotes.

Submissions (4):

Labcorp Genetics (formerly Invitae), Labcorp
Classification: Uncertain significance for Aicardi-Goutieres syndrome 2. Last evaluated: 2025-01-24. Review status: criteria provided, single submitter. Criteria: Invitae Variant Classification Sherloc (09022015). Collection method: clinical testing. Allele origin: germline.
Comment: This sequence change replaces cysteine, which is neutral and slightly polar, with tyrosine, which is neutral and polar, at codon 7 of the RNASEH2B protein (p.Cys7Tyr). This variant is present in population databases (rs551573692, gnomAD 0.04%). This variant has not been reported in the literature in individuals affected with RNASEH2B-related conditions. ClinVar contains an entry for this variant (Variation ID: 881149). Invitae Evidence Modeling of protein sequence and biophysical properties (such as structural, functional, and spatial information, amino acid conservation, physicochemical variation, residue mobility, and thermodynamic stability) has been performed for this missense variant. However, the output from this modeling did not meet the statistical confidence thresholds required to predict the impact of this variant on RNASEH2B protein function. In summary, the available evidence is currently insufficient to determine the role of this variant in disease. Therefore, it has been classified as a Variant of Uncertain Significance.

Ambry Genetics
Classification: Uncertain significance for Inborn genetic diseases. Last evaluated: 2024-11-09. Review status: criteria provided, single submitter. Criteria: Ambry Variant Classification Scheme 2023. Collection method: clinical testing. Allele origin: germline.

Fulgent Genetics
Classification: Uncertain significance for Aicardi-Goutieres syndrome 2. Last evaluated: 2021-11-03. Review status: criteria provided, single submitter. Criteria: ACMG Guidelines, 2015. Collection method: clinical testing. Allele origin: unknown.

Illumina Laboratory Services, Illumina
Classification: Uncertain significance for Aicardi-Goutieres syndrome 2. Last evaluated: 2018-01-12. Review status: criteria provided, single submitter. Criteria: ICSL Variant Classification Criteria 13 December 2019. Collection method: clinical testing. Allele origin: germline.